The following is an entry in ClinVar:

ClinVar aggregate classification (germline): Uncertain significance (1 of 4 stars; one submission).

Conditions:
Hereditary spastic paraplegia 43. Also called: Spastic paraplegia 43, autosomal recessive. Identifiers: Orphanet 320370, MedGen C2680446, MONDO:0014024, OMIM 615043.

Submission:

Labcorp Genetics (formerly Invitae), Labcorp
Classification: Uncertain significance for Hereditary spastic paraplegia 43. Last evaluated: 2025-02-24. Review status: criteria provided, single submitter. Criteria: Invitae Variant Classification Sherloc (09022015). Collection method: clinical testing. Allele origin: germline.
Comment: This sequence change replaces alanine, which is neutral and non-polar, with threonine, which is neutral and polar, at codon 63 of the C19orf12 protein (p.Ala63Thr). This variant is present in population databases (rs376103979, gnomAD 0.003%). This variant has not been reported in the literature in individuals affected with C19orf12-related conditions. ClinVar contains an entry for this variant (Variation ID: 1682835). An algorithm developed to predict the effect of missense changes on protein structure and function (PolyPhen-2) suggests that this variant is likely to be disruptive. In summary, the available evidence is currently insufficient to determine the role of this variant in disease. Therefore, it has been classified as a Variant of Uncertain Significance.

NM_031448.6(C19orf12):c.154G>A (p.Ala52Thr)

Gene: C19orf12 (chromosome 19 open reading frame 12; minus strand). Cytogenetic location: 19q12.
Variant type: single nucleotide variant.
Coding change: c.154G>A on transcript NM_031448.6 (MANE Select); coding-DNA position 154, G replaced by A.
Protein change: p.Ala52Thr; replaces alanine 52 with threonine.
Molecular consequence: missense variant. On other transcripts: 5 prime UTR variant (1), intron variant (2).
Genome position (GRCh38, 1-based): chr19:29,708,260, C>T on the plus strand (G>A on the coding strand, the complement: C19orf12 is on the minus strand). VCF-style: chr19-29708260-C-T. GRCh37 (hg19) VCF-style: chr19-30199167-C-T.
Other names: c.154G>A, p.Ala52Thr (NM_001031726.4, NM_001256046.3, NM_001256047.2); c.-160G>A (NM_001282931.3); c.-32-5283G>A (NM_001282929.1, NM_001282930.3); short protein forms A52T.
Identifiers: ClinVar variation 1682835 (VCV001682835.6), dbSNP rs376103979, ClinGen allele CA9351975.